The following is an entry in ClinVar:

NM_138295.5(PKD1L1):c.8058C>T (p.Phe2686=)

Genes: PKD1L1 (polycystin 1 like 1, transient receptor potential channel interacting; minus strand), PKD1L1-AS1 (PKD1L1 antisense RNA 1; plus strand). Cytogenetic location: 7p12.3.
Variant type: single nucleotide variant.
Coding change: c.8058C>T on transcript NM_138295.5 (MANE Select); coding-DNA position 8058, C replaced by T.
Protein change: p.Phe2686=; no amino-acid change (phenylalanine 2686 retained).
Molecular consequence: synonymous variant.
Genome position (GRCh38, 1-based): chr7:47,800,784, G>A on the plus strand (C>T on the coding strand, the complement: PKD1L1 is on the minus strand). VCF-style: chr7-47800784-G-A. GRCh37 (hg19) VCF-style: chr7-47840382-G-A.
Identifiers: ClinVar variation 4998227 (VCV004998227.1).
Genomic context (GRCh38, chr7:47,800,784, plus strand): 5'-GGAAAGGCCAAGGAGGCAGTCTTTTTGGCTTCTTCTGGGAAAATGAAACAGCAGCCCGGG[G>A]AAGGCGTCTGTGAAGGTGCCAGGTGGTAGAACCCACATAGAGAGCAGAAATCGGTGCAGG-3'
Protein context (NP_612152.1, residues 2676-2696): VLPPGTFTDA[Phe2686=]PGLLFHFPRR

ClinVar aggregate classification (germline): Likely benign (1 of 4 stars; one submission).

Conditions:
PKD1L1-related disorder. Also called: PKD1L1-related condition.

Submission:

PreventionGenetics, part of Exact Sciences
Classification: Likely benign for PKD1L1-related condition. Last evaluated: 2024-10-15. Review status: criteria provided, single submitter. Criteria: ACMG Guidelines, 2015. Collection method: clinical testing. Allele origin: germline.
Comment: This variant is classified as likely benign based on ACMG/AMP sequence variant interpretation guidelines (Richards et al. 2015 PMID: 25741868, with internal and published modifications).